The following is an entry in ClinVar:

NM_003628.6(PKP4):c.1219C>G (p.Pro407Ala)

Gene: PKP4 (plakophilin 4; plus strand). Cytogenetic location: 2q24.1.
Variant type: single nucleotide variant.
Coding change: c.1219C>G on transcript NM_003628.6 (MANE Select); coding-DNA position 1219, C replaced by G.
Protein change: p.Pro407Ala; replaces proline 407 with alanine.
Molecular consequence: missense variant.
Genome position (GRCh38, 1-based): chr2:158,631,818, C>G. VCF-style: chr2-158631818-C-G. GRCh37 (hg19) VCF-style: chr2-159488330-C-G.
Other names: c.1219C>G, p.Pro407Ala (NM_001005476.4, NM_001304969.3, NM_001304971.2 and 6 more transcripts); c.193C>G, p.Pro65Ala (NM_001304970.3); c.1213C>G, p.Pro405Ala (NM_001377222.1, NM_001377223.1, NM_001377224.1); short protein forms P405A, P407A, P65A.
Identifiers: ClinVar variation 1752383 (VCV001752383.2), dbSNP rs199939900, ClinGen allele CA348907925.
Genomic context (GRCh38, chr2:158,631,818, plus strand): 5'-CGGAGTTCCTATGCTAGTCAGCATAGTCAGCTTGGGCAAGACCTTCGTTCTGCCGTGTCT[C>G]CCGACTTGCACATTACTCCTATATATGAGGGGAGGACCTATTACAGCCCAGTGTACCGCA-3'
Protein context (NP_003619.2, residues 397-417): LGQDLRSAVS[Pro407Ala]DLHITPIYEG

ClinVar aggregate classification (germline): Uncertain significance (1 of 4 stars; one submission).

Allele frequency attached by ClinVar (database versions not stated): TOPMed 0.00002.
gnomAD v4.1: 6 of 1,613,998 alleles (0.00037%); highest among the groups gnomAD compares: African/African-American, 0.0013%; no homozygotes.

Submission:

Ambry Genetics
Classification: Uncertain significance. Last evaluated: 2021-06-23. Review status: criteria provided, single submitter. Criteria: Ambry Variant Classification Scheme 2023. Collection method: clinical testing. Allele origin: germline.
Comment: The p.P407A variant (also known as c.1219C>G), located in coding exon 7 of the PKP4 gene, results from a C to G substitution at nucleotide position 1219. The proline at codon 407 is replaced by alanine, an amino acid with highly similar properties. This amino acid position is conserved. In addition, the in silico prediction for this alteration is inconclusive. Since supporting evidence is limited at this time, the clinical significance of this alteration remains unclear.